The following is an entry in ClinVar:

NM_006231.4(POLE):c.5811+1G>A

Gene: POLE (DNA polymerase epsilon, catalytic subunit; minus strand). Cytogenetic location: 12q24.33.
Variant type: single nucleotide variant.
Coding change: c.5811+1G>A on transcript NM_006231.4 (MANE Select); the canonical splice donor site of the intron after coding-DNA position 5811, G replaced by A.
Molecular consequence: splice donor variant.
Genome position (GRCh38, 1-based): chr12:132,635,891, C>T on the plus strand (G>A on the coding strand, the complement: POLE is on the minus strand). VCF-style: chr12-132635891-C-T. GRCh37 (hg19) VCF-style: chr12-133212477-C-T.
Other names: c.5811+1G>A (NM_006231.2).
Identifiers: ClinVar variation 937575 (VCV000937575.12), dbSNP rs2042021811, ClinGen allele CA387372656.
Genomic context (GRCh38, chr12:132,635,891, plus strand): 5'-TGCTGCAGGAATGAACGCGACCCCCAAAGCTGGCTCGGGTGCCACACTGCAGCTCGCTTA[C>T]CAGTCCACAGTGAATACGAGATGAAACTTTTCCTTTGATTCCGCCATAGTTAGATGGATC-3'

ClinVar aggregate classification (germline): Conflicting classifications of pathogenicity. Review status: criteria provided, conflicting classifications (1 of 4 stars). 2 submissions from 2 submitters: Likely pathogenic (1); Uncertain significance (1). Last evaluated 2026-04-07.

Conditions:
Hereditary cancer-predisposing syndrome. Also called: Hereditary Cancer Syndrome; Neoplastic Syndromes, Hereditary; Tumor predisposition; Hereditary neoplastic syndrome. Identifiers: Orphanet 140162, MedGen C0027672, MeSH D009386, MONDO:0015356.

Submissions (2):

Ambry Genetics
Classification: Uncertain significance for Hereditary cancer-predisposing syndrome. Last evaluated: 2026-04-07. Review status: criteria provided, single submitter. Criteria: Ambry Variant Classification Scheme 2023. Collection method: clinical testing. Allele origin: germline.
Comment: The c.5811+1G>A intronic variant results from a G to A substitution one nucleotide after coding exon 42 of the POLE gene. This variant has been identified in conjunction with other POLE variant(s) in individual(s) with features consistent with POLE deficiency; in at least one instance, the variants were identified in trans (Ambry internal data). Other variant(s) impacting the same donor site (c.5811+2T>C) have been identified in individual(s) with features consistent with POLE deficiency (Jiang L et al. Front Pediatr, 2022 Aug;10:933108). This variant is considered to be rare based on population cohorts in the Genome Aggregation Database (gnomAD). This nucleotide position is highly conserved in available vertebrate species. In silico splice site analysis predicts that this alteration will weaken the native splice donor site. Alterations that disrupt the canonical splice site are expected to cause aberrant splicing, resulting in an abnormal protein or a transcript that is subject to nonsense-mediated mRNA decay. Although biallelic loss of function of POLE has been associated with autosomal recessive POLE deficiency, haploinsufficiency of POLE has not been established as a mechanism of disease for POLE-related polymerase proofreading-associated polyposis (PPAP) and POLE-related CMMRD-like syndrome. Based on the supporting evidence, this variant is expected to be causative of POLE deficiency when present along with a second pathogenic variant on the other allele; however, its clinical significance for PPAP and POLE-related CMMRD-like syndrome is unclear.

Labcorp Genetics (formerly Invitae), Labcorp
Classification: Likely pathogenic. Last evaluated: 2022-05-12. Review status: criteria provided, single submitter. Criteria: Invitae Variant Classification Sherloc (09022015). Collection method: clinical testing. Allele origin: germline.
Comment: In summary, the currently available evidence indicates that the variant is pathogenic, but additional data are needed to prove that conclusively. Therefore, this variant has been classified as Likely Pathogenic. Algorithms developed to predict the effect of sequence changes on RNA splicing suggest that this variant may disrupt the consensus splice site. ClinVar contains an entry for this variant (Variation ID: 937575). This variant has not been reported in the literature in individuals affected with POLE-related conditions. This variant is not present in population databases (gnomAD no frequency). This sequence change affects a donor splice site in intron 42 of the POLE gene. It is expected to disrupt RNA splicing. Variants that disrupt the donor or acceptor splice site typically lead to a loss of protein function (PMID: 16199547), and loss-of-function variants in POLE are known to be pathogenic (PMID: 23230001, 25948378, 30503519).

Literature cited by the submitters: PubMed 36071887 (cited by Ambry Genetics); PubMed 16199547 (cited by Labcorp Genetics (formerly Invitae), Labcorp); PubMed 23230001 (cited by Labcorp Genetics (formerly Invitae), Labcorp); PubMed 25948378 (cited by Labcorp Genetics (formerly Invitae), Labcorp); PubMed 30503519 (cited by Labcorp Genetics (formerly Invitae), Labcorp).